The following is an entry in ClinVar:

NM_017780.4(CHD7):c.584dup (p.Gly196fs)

Gene: CHD7 (chromodomain helicase DNA binding protein 7; plus strand). Cytogenetic location: 8q12.2.
Variant type: Duplication.
Coding change: c.584dup on transcript NM_017780.4 (MANE Select); coding-DNA position 584, one base duplicated (G; older notation c.584dupG).
Protein change: p.Gly196fs; shifts the reading frame from glycine 196.
Molecular consequence: frameshift variant.
Genome position (GRCh38, 1-based): chr8:60,742,016, G duplicated. VCF-style (leftmost placement, unchanged base first): chr8-60742015-C-CG. GRCh37 (hg19) VCF-style: chr8-61654574-C-CG.
Other names: c.584dupG (NM_001316690.1); c.584dup, p.Gly196fs (NM_001316690.1); short protein forms G196fs.
Identifiers: ClinVar variation 3068312 (VCV003068312.1), dbSNP rs2487266366, ClinGen allele CA2825001589.

ClinVar aggregate classification (germline): Pathogenic (1 of 4 stars; one submission).

Conditions:
CHARGE syndrome (CHARGE). Also called: Hittner Hirsch Kreh syndrome; CHARGE ASSOCIATION--COLOBOMA, HEART ANOMALY, CHOANAL ATRESIA, RETARDATION, GENITAL AND EAR ANOMALIES; Coloboma, heart anomaly, choanal atresia, retardation, genital and ear anomalies; CHARGE association; Hall-Hittner syndrome. Identifiers: Orphanet 138, MedGen C0265354, MONDO:0008965.

Submission:

Pediatric Genomics Discovery Program, Yale University
Classification: Pathogenic for CHD7-related CHARGE syndrome. Last evaluated: 2024-04-05. Review status: criteria provided, single submitter. Criteria: ACMG Guidelines, 2015. Collection method: clinical testing. Allele origin: de novo. Inheritance: Sporadic. Affected: yes.
Comment: The p.R195fs variant has not previously been reported. This duplication would be predicted to result in a frameshift variant, with the premature introduction of a stop codon and either mRNA decay or truncated protein to result. CHARGE syndrome (autosomal dominant) is typically caused by putative loss of function variants such as this.